The following is an entry in ClinVar:

NM_014425.5(INVS):c.2787-4C>A

Gene: INVS (inversin; plus strand). Cytogenetic location: 9q31.1.
Variant type: single nucleotide variant.
Coding change: c.2787-4C>A on transcript NM_014425.5 (MANE Select); 4 bases into the intron before coding-DNA position 2787, C replaced by A.
Molecular consequence: intron variant.
Genome position (GRCh38, 1-based): chr9:100,296,913, C>A. VCF-style: chr9-100296913-C-A. GRCh37 (hg19) VCF-style: chr9-103059195-C-A.
Other names: c.2499-4C>A (NM_001318381.2); c.1809-4C>A (NM_001318382.2).
Identifiers: ClinVar variation 3058224 (VCV003058224.2), dbSNP rs936214149, ClinGen allele CA196898053.

ClinVar aggregate classification (germline): Likely benign (0 of 4 stars; one submission).

Conditions:
INVS-related disorder. Also called: INVS-related condition.

Allele frequency attached by ClinVar (database versions not stated): gnomAD exomes below 0.00001.
gnomAD v4.1: 2 of 1,613,342 alleles (0.00012%); highest among the groups gnomAD compares: South Asian, 0.0011%; no homozygotes.

Submission:

PreventionGenetics, part of Exact Sciences
Classification: Likely benign for INVS-related condition. Last evaluated: 2022-01-20. Review status: no assertion criteria provided. Collection method: clinical testing. Allele origin: germline.
Comment: This variant is classified as likely benign based on ACMG/AMP sequence variant interpretation guidelines (Richards et al. 2015 PMID: 25741868, with internal and published modifications).